The following is an entry in ClinVar:

ClinVar aggregate classification (germline): Likely benign. Review status: criteria provided, multiple submitters, no conflicts (2 of 4 stars). 2 submissions from 2 submitters: Likely benign (2). Last evaluated 2026-06-01.

gnomAD v4.1: 192 of 1,610,014 alleles (0.012%); highest among the groups gnomAD compares: Middle Eastern, 0.045%; no homozygotes.

Submissions (2):

Women's Health and Genetics/Laboratory Corporation of America, LabCorp
Classification: Likely benign. Last evaluated: 2026-06-01. Review status: criteria provided, single submitter. Criteria: LabCorp Variant Classification Summary - May 2015. Collection method: clinical testing. Allele origin: germline.
Comment: Variant summary: PKD1 c.8370G>A alters a conserved nucleotide resulting in a synonymous change. Consensus agreement among computation tools predict no significant impact on normal splicing. However, these predictions have yet to be confirmed by functional studies. The variant allele was found at a frequency of 0.00014 in 242978 control chromosomes. This frequency is not significantly higher than estimated for disease-causing variants in PKD1, allowing no conclusion about variant significance. To our knowledge, no occurrence of c.8370G>A in individuals affected with PKD1-related conditions and no experimental evidence demonstrating its impact on protein function have been reported. No submitters have cited clinical-significance assessments for this variant to ClinVar. Based on the evidence outlined above, the variant was classified as likely benign.

Blueprint Genetics
Classification: Likely benign. Last evaluated: 2024-11-25. Review status: criteria provided, single submitter. Criteria: ACMG Guidelines, 2015. Collection method: clinical testing. Allele origin: germline.

NM_001009944.3(PKD1):c.8370G>A (p.Pro2790=)

Gene: PKD1 (polycystin 1, transient receptor potential channel interacting; minus strand). Cytogenetic location: 16p13.3.
Variant type: single nucleotide variant.
Coding change: c.8370G>A on transcript NM_001009944.3 (MANE Select); coding-DNA position 8370, G replaced by A.
Protein change: p.Pro2790=; no amino-acid change (proline 2790 retained).
Molecular consequence: synonymous variant.
Genome position (GRCh38, 1-based): chr16:2,103,687, C>T on the plus strand (G>A on the coding strand, the complement: PKD1 is on the minus strand). VCF-style: chr16-2103687-C-T. GRCh37 (hg19) VCF-style: chr16-2153688-C-T.
Other names: c.8370G>A, p.Pro2790= (NM_000296.4).
Identifiers: ClinVar variation 4887605 (VCV004887605.2).